The following is an entry in ClinVar:

NM_000264.5(PTCH1):c.305T>C (p.Leu102Ser)

Gene: PTCH1 (patched 1; minus strand). Cytogenetic location: 9q22.32.
Variant type: single nucleotide variant.
Coding change: c.305T>C on transcript NM_000264.5 (MANE Select); coding-DNA position 305, T replaced by C.
Protein change: p.Leu102Ser; replaces leucine 102 with serine.
Molecular consequence: missense variant. On other transcripts: 5 prime UTR variant (4), non-coding transcript variant (1).
Genome position (GRCh38, 1-based): chr9:95,506,496, A>G on the plus strand (T>C on the coding strand, the complement: PTCH1 is on the minus strand). VCF-style: chr9-95506496-A-G. GRCh37 (hg19) VCF-style: chr9-98268778-A-G.
Other names: c.107T>C, p.Leu36Ser (NM_001083602.3, NM_001354919.2); c.302T>C, p.Leu101Ser (NM_001083603.3); c.-149T>C (NM_001083604.3, NM_001083605.3, NM_001083606.3 and 1 more transcripts); c.305T>C, p.Leu102Ser (NM_001354918.2); short protein forms L36S, L101S, L102S.
Identifiers: ClinVar variation 4774563 (VCV004774563.1).

ClinVar aggregate classification (germline): Uncertain significance (1 of 4 stars; one submission).

Conditions:
Gorlin syndrome. Also called: Nevoid Basal Cell Carcinoma Syndrome; Basal cell nevus syndrome. Identifiers: Orphanet 377, MedGen C0004779, MONDO:0007187.

gnomAD v4.1: 1 of 1,613,690 alleles (0.000062%); highest among the groups gnomAD compares: Non-Finnish European, 0.000085%; no homozygotes.

Submission:

Labcorp Genetics (formerly Invitae), Labcorp
Classification: Uncertain significance for Gorlin syndrome. Last evaluated: 2026-01-12. Review status: criteria provided, single submitter. Criteria: Invitae Variant Classification Sherloc (09022015). Collection method: clinical testing. Allele origin: germline.
Comment: This sequence change replaces leucine, which is neutral and non-polar, with serine, which is neutral and polar, at codon 102 of the PTCH1 protein (p.Leu102Ser). This variant is not present in population databases (gnomAD no frequency). This variant has not been reported in the literature in individuals affected with PTCH1-related conditions. Invitae Evidence Modeling of protein sequence and biophysical properties (such as structural, functional, and spatial information, amino acid conservation, physicochemical variation, residue mobility, and thermodynamic stability) has been performed for this missense variant. However, the output from this modeling did not meet the statistical confidence thresholds required to predict the impact of this variant on PTCH1 protein function. In summary, the available evidence is currently insufficient to determine the role of this variant in disease. Therefore, it has been classified as a Variant of Uncertain Significance.